The following is an entry in ClinVar:

ClinVar aggregate classification (germline): Pathogenic/Likely pathogenic. Review status: criteria provided, multiple submitters, no conflicts (2 of 4 stars). 2 submissions from 2 submitters: Pathogenic (1); Likely pathogenic (1). Last evaluated 2025-10-03.

Conditions:
Gastrointestinal defects and immunodeficiency syndrome 1 (GIDID1). Also called: Combined immunodeficiency-enteropathy spectrum. Identifiers: Orphanet 436252, MedGen C5968858, MONDO:0800030, OMIM 243150.
Multiple gastrointestinal atresias. Also called: FAMILIAL INTESTINAL POLYATRESIA SYNDROME; Multiple intestinal atresia. Identifiers: Orphanet 2300, MedGen C0220744, MONDO:0009465.

Allele frequency attached by ClinVar (database versions not stated): gnomAD exomes below 0.00001; TOPMed 0.00002.
gnomAD v4.1: 8 of 1,614,134 alleles (0.0005%); highest among the groups gnomAD compares: Admixed American, 0.0017%; no homozygotes.

Submissions (2):

Labcorp Genetics (formerly Invitae), Labcorp
Classification: Pathogenic for Multiple gastrointestinal atresias. Last evaluated: 2025-10-03. Review status: criteria provided, single submitter. Criteria: Invitae Variant Classification Sherloc (09022015). Collection method: clinical testing. Allele origin: germline.
Comment: This sequence change creates a premature translational stop signal (p.Arg358*) in the TTC7A gene. It is expected to result in an absent or disrupted protein product. Loss-of-function variants in TTC7A are known to be pathogenic (PMID: 23830146, 24292712). The frequency data for this variant in the population databases is considered unreliable, as metrics indicate poor data quality at this position in the gnomAD database. This variant has not been reported in the literature in individuals affected with TTC7A-related conditions. ClinVar contains an entry for this variant (Variation ID: 659060). For these reasons, this variant has been classified as Pathogenic.

Fulgent Genetics
Classification: Likely pathogenic for Gastrointestinal defects and immunodeficiency syndrome 1. Last evaluated: 2024-06-17. Review status: criteria provided, single submitter. Criteria: ACMG Guidelines, 2015. Collection method: clinical testing. Allele origin: germline.

Literature cited by the submitters: PubMed 23830146 (cited by Labcorp Genetics (formerly Invitae), Labcorp); PubMed 24292712 (cited by Labcorp Genetics (formerly Invitae), Labcorp).

NM_020458.4(TTC7A):c.1072C>T (p.Arg358Ter)

Gene: TTC7A (tetratricopeptide repeat domain 7A; plus strand). Cytogenetic location: 2p21.
Variant type: single nucleotide variant.
Coding change: c.1072C>T on transcript NM_020458.4 (MANE Select); coding-DNA position 1072, C replaced by T.
Protein change: p.Arg358Ter; replaces arginine 358 with a stop codon.
Molecular consequence: nonsense.
Genome position (GRCh38, 1-based): chr2:47,005,928, C>T. VCF-style: chr2-47005928-C-T. GRCh37 (hg19) VCF-style: chr2-47233067-C-T.
Other names: c.1072C>T (NM_001288951.1); c.1072C>T, p.Arg358Ter (LRG_1323t1, NM_001288951.2); c.970C>T, p.Arg324Ter (NM_001288953.2); c.10C>T, p.Arg4Ter (NM_001288955.2); short protein forms R358*, R4*, R324*.
Identifiers: ClinVar variation 659060 (VCV000659060.8), dbSNP rs1297794582, ClinGen allele CA346714070.